The following is an entry in ClinVar:

ClinVar aggregate classification (germline): Uncertain significance (1 of 4 stars; one submission).

Submission:

GeneDx
Classification: Uncertain significance. Last evaluated: 2022-03-11. Review status: criteria provided, single submitter. Criteria: GeneDx Variant Classification Process June 2021. Collection method: clinical testing. Allele origin: germline. Affected: yes.
Comment: Not observed at significant frequency in large population cohorts (gnomAD); In silico analysis supports that this missense variant does not alter protein structure/function; Has not been previously published as pathogenic or benign to our knowledge

NM_001379291.1(BRD4):c.3088C>G (p.Pro1030Ala)

Gene: BRD4 (bromodomain containing 4; minus strand). Cytogenetic location: 19p13.12.
Variant type: single nucleotide variant.
Coding change: c.3088C>G on transcript NM_001379291.1 (MANE Select); coding-DNA position 3088, C replaced by G.
Protein change: p.Pro1030Ala; replaces proline 1030 with alanine.
Molecular consequence: missense variant.
Genome position (GRCh38, 1-based): chr19:15,242,981, G>C on the plus strand (C>G on the coding strand, the complement: BRD4 is on the minus strand). VCF-style: chr19-15242981-G-C. GRCh37 (hg19) VCF-style: chr19-15353792-G-C.
Other names: c.3088C>G, p.Pro1030Ala (NM_058243.3); short protein forms P1030A.
Identifiers: ClinVar variation 1706303 (VCV001706303.2), dbSNP rs142887410, ClinGen allele CA404503200.